The following is an entry in ClinVar:

ClinVar aggregate classification (germline): Uncertain significance (1 of 4 stars; one submission).

Allele frequency attached by ClinVar (database versions not stated): gnomAD 0.00001.
gnomAD v4.1: 3 of 1,612,394 alleles (0.00019%); highest among the groups gnomAD compares: South Asian, 0.0033%; no homozygotes.

Submission:

Labcorp Genetics (formerly Invitae), Labcorp
Classification: Uncertain significance. Last evaluated: 2022-10-19. Review status: criteria provided, single submitter. Criteria: Invitae Variant Classification Sherloc (09022015). Collection method: clinical testing. Allele origin: germline.
Comment: Algorithms developed to predict the effect of missense changes on protein structure and function (SIFT, PolyPhen-2, Align-GVGD) all suggest that this variant is likely to be tolerated. This variant has not been reported in the literature in individuals affected with TGFB1-related conditions. The frequency data for this variant in the population databases is considered unreliable, as metrics indicate poor data quality at this position in the gnomAD database. This sequence change replaces proline, which is neutral and non-polar, with glutamine, which is neutral and polar, at codon 95 of the TGFB1 protein (p.Pro95Gln). In summary, the available evidence is currently insufficient to determine the role of this variant in disease. Therefore, it has been classified as a Variant of Uncertain Significance.

NM_000660.7(TGFB1):c.284C>A (p.Pro95Gln)

Genes: TGFB1 (transforming growth factor beta 1; minus strand), LOC130064510 (ATAC-STARR-seq lymphoblastoid silent region 10661; plus strand). Cytogenetic location: 19q13.2.
Variant type: single nucleotide variant.
Coding change: c.284C>A on transcript NM_000660.7 (MANE Select); coding-DNA position 284, C replaced by A.
Protein change: p.Pro95Gln; replaces proline 95 with glutamine.
Molecular consequence: missense variant.
Genome position (GRCh38, 1-based): chr19:41,352,761, G>T on the plus strand (C>A on the coding strand, the complement: TGFB1 is on the minus strand). VCF-style: chr19-41352761-G-T. GRCh37 (hg19) VCF-style: chr19-41858666-G-T.
Other names: short protein forms P95Q.
Identifiers: ClinVar variation 1921762 (VCV001921762.5), dbSNP rs1302958379, ClinGen allele CA406005106.